The following is an entry in ClinVar:

NM_005406.3(ROCK1):c.1051+8T>C

Gene: ROCK1 (Rho associated coiled-coil containing protein kinase 1; minus strand). Cytogenetic location: 18q11.1.
Variant type: single nucleotide variant.
Coding change: c.1051+8T>C on transcript NM_005406.3 (MANE Select); 8 bases into the intron after coding-DNA position 1051, T replaced by C.
Molecular consequence: intron variant.
Genome position (GRCh38, 1-based): chr18:21,039,464, A>G on the plus strand (T>C on the coding strand, the complement: ROCK1 is on the minus strand). VCF-style: chr18-21039464-A-G. GRCh37 (hg19) VCF-style: chr18-18619425-A-G.
Identifiers: ClinVar variation 784748 (VCV000784748.27), dbSNP rs111381414, ClinGen allele CA8906013.

ClinVar aggregate classification (germline): Benign/Likely benign. Review status: criteria provided, multiple submitters, no conflicts (2 of 4 stars). 2 submissions from 2 submitters: Benign (1); Likely benign (1). Last evaluated 2024-01-01.

Allele frequency attached by ClinVar (database versions not stated): ESP Exome Variant Server 0.00185; 1000 Genomes Project 0.00200; 1000 Genomes Project 30x 0.00203; TOPMed 0.00242; gnomAD exomes 0.00257 and 0.00434; ExAC 0.00263; gnomAD 0.00268 and 0.00270.
gnomAD v4.1: 6,586 of 1,592,280 alleles (0.41%); highest among the groups gnomAD compares: Non-Finnish European, 0.52%; 23 homozygotes.

Submissions (2):

CeGaT Center for Human Genetics Tuebingen
Classification: Likely benign. Last evaluated: 2024-01-01. Review status: criteria provided, single submitter. Criteria: CeGaT Center For Human Genetics Tuebingen Variant Classification Criteria Version 2. Collection method: clinical testing. Allele origin: germline. Affected: yes. Observed: 2 variant alleles.
Comment: ROCK1: BP4, BS2

Labcorp Genetics (formerly Invitae), Labcorp
Classification: Benign. Last evaluated: 2018-05-21. Review status: criteria provided, single submitter. Criteria: Invitae Variant Classification Sherloc (09022015). Collection method: clinical testing. Allele origin: germline.